The following is an entry in ClinVar:

NM_001130438.3(SPTAN1):c.2204A>C (p.Asp735Ala)

Gene: SPTAN1 (spectrin alpha, non-erythrocytic 1; plus strand). Cytogenetic location: 9q34.11.
Variant type: single nucleotide variant.
Coding change: c.2204A>C on transcript NM_001130438.3 (MANE Select); coding-DNA position 2204, A replaced by C.
Protein change: p.Asp735Ala; replaces aspartic acid 735 with alanine.
Molecular consequence: missense variant.
Genome position (GRCh38, 1-based): chr9:128,584,292, A>C. VCF-style: chr9-128584292-A-C. GRCh37 (hg19) VCF-style: chr9-131346571-A-C.
Other names: c.2204A>C, p.Asp735Ala (NM_003127.4, NM_001195532.2, NM_001363759.2 and 5 more transcripts); c.2240A>C, p.Asp747Ala (NM_001375312.2, NM_001375318.1); short protein forms D735A, D747A.
Identifiers: ClinVar variation 2837398 (VCV002837398.3), dbSNP rs2541197197, ClinGen allele CA375057108.

ClinVar aggregate classification (germline): Uncertain significance (1 of 4 stars; one submission).

Conditions:
Early-infantile DEE. Also called: Early infantile epileptic encephalopathy; Early infantile epileptic encephalopathy with suppression bursts; Ohtahara syndrome. Identifiers: Orphanet 1934, MedGen C0393706, MONDO:0800491.

Submission:

Labcorp Genetics (formerly Invitae), Labcorp
Classification: Uncertain significance for Early-infantile DEE. Last evaluated: 2026-01-19. Review status: criteria provided, single submitter. Criteria: Invitae Variant Classification Sherloc (09022015). Collection method: clinical testing. Allele origin: germline.
Comment: This sequence change replaces aspartic acid, which is acidic and polar, with alanine, which is neutral and non-polar, at codon 735 of the SPTAN1 protein (p.Asp735Ala). This variant is not present in population databases (gnomAD no frequency). This variant has not been reported in the literature in individuals affected with SPTAN1-related conditions. ClinVar contains an entry for this variant (Variation ID: 2837398). Invitae Evidence Modeling of protein sequence and biophysical properties (such as structural, functional, and spatial information, amino acid conservation, physicochemical variation, residue mobility, and thermodynamic stability) has been performed for this missense variant. However, the output from this modeling did not meet the statistical confidence thresholds required to predict the impact of this variant on SPTAN1 protein function. In summary, the available evidence is currently insufficient to determine the role of this variant in disease. Therefore, it has been classified as a Variant of Uncertain Significance.